The following is an entry in ClinVar:

NM_007294.4(BRCA1):c.5299del (p.Cys1767fs)

Gene: BRCA1 (BRCA1 DNA repair associated; minus strand). Cytogenetic location: 17q21.31.
Variant type: Deletion.
Coding change: c.5299del on transcript NM_007294.4 (MANE Select); coding-DNA position 5299, one base deleted (T; older notation c.5299delT).
Protein change: p.Cys1767fs; shifts the reading frame from cysteine 1767.
Molecular consequence: frameshift variant. On other transcripts: non-coding transcript variant (1).
Genome position (GRCh38, 1-based): chr17:43,051,096, A deleted on the plus strand (T on the coding strand, the reverse complement: BRCA1 is on the minus strand). VCF-style (leftmost placement, unchanged base first): chr17-43051095-CA-C. GRCh37 (hg19) VCF-style: chr17-41203112-CA-C.
Other names: 5418 delT; c.5173delT, p.Cys1725Valfs (NM_001407672.1, NM_001407673.1, NM_001407674.1 and 10 more transcripts); c.5170delT, p.Cys1724Valfs (NM_001407681.1, NM_001407682.1, NM_001407683.1 and 6 more transcripts); c.5167delT, p.Cys1723Valfs (NM_001407690.1, NM_001407691.1); c.5158delT, p.Cys1720Valfs (NM_001407692.1, NM_001407694.1, NM_001407695.1 and 12 more transcripts); c.5155delT, p.Cys1719Valfs (NM_001407732.1, NM_001407733.1, NM_001407734.1 and 21 more transcripts); c.5152delT, p.Cys1718Valfs (NM_001407838.1, NM_001407839.1, NM_001407841.1 and 12 more transcripts); c.5299delT, p.Cys1767Valfs (NM_001407854.1, NM_007294.3, NM_001407593.1 and 7 more transcripts); and 76 more; short protein forms C1788fs, C663fs, C1720fs, C1767fs.
Identifiers: ClinVar variation 266542 (VCV000266542.7), dbSNP rs886040286, ClinGen allele CA10589601.

ClinVar aggregate classification (germline): Pathogenic. Review status: reviewed by expert panel (3 of 4 stars). 2 submissions from 2 submitters: Pathogenic (1). 1 of the submissions does not count toward it. Last evaluated 2016-10-18.

Conditions:
Breast-ovarian cancer, familial, susceptibility to, 1 (BROVCA1). Also called: BRCA1 Hereditary Breast and Ovarian Cancer; OVARIAN CANCER, SUSCEPTIBILITY TO. Identifiers: Orphanet 145, MedGen C2676676, MONDO:0011450, OMIM 604370. Disease mechanism: loss of function.

Submissions (2):

Evidence-based Network for the Interpretation of Germline Mutant Alleles (ENIGMA)
Classification: Pathogenic for Breast-ovarian cancer, familial, susceptibility to, 1. Last evaluated: 2016-10-18. Review status: reviewed by expert panel. Criteria: ENIGMA BRCA1/2 Classification Criteria (2015). Collection method: curation. Allele origin: germline.
Comment: Variant allele predicted to encode a truncated non-functional protein.

Consortium of Investigators of Modifiers of BRCA1/2 (CIMBA), c/o University of Cambridge
Classification: Pathogenic for Breast-ovarian cancer, familial, susceptibility to, 1. Last evaluated: 2015-10-02. Review status: criteria provided, single submitter. Criteria: CIMBA Mutation Classification guidelines May 2016. Collection method: clinical testing. Allele origin: germline. Not counted in ClinVar's aggregate classification.